The following is an entry in ClinVar:

NM_005655.4(KLF10):c.860C>G (p.Thr287Arg)

Gene: KLF10 (KLF transcription factor 10; minus strand). Cytogenetic location: 8q22.3.
Variant type: single nucleotide variant.
Coding change: c.860C>G on transcript NM_005655.4 (MANE Select); coding-DNA position 860, C replaced by G.
Protein change: p.Thr287Arg; replaces threonine 287 with arginine.
Molecular consequence: missense variant.
Genome position (GRCh38, 1-based): chr8:102,651,472, G>C on the plus strand (C>G on the coding strand, the complement: KLF10 is on the minus strand). VCF-style: chr8-102651472-G-C. GRCh37 (hg19) VCF-style: chr8-103663700-G-C.
Other names: c.827C>G, p.Thr276Arg (NM_001032282.4); short protein forms T276R, T287R.
Identifiers: ClinVar variation 1416675 (VCV001416675.8), dbSNP rs766316252, ClinGen allele CA4833531.

ClinVar aggregate classification (germline): Uncertain significance (1 of 4 stars; one submission).

Allele frequency attached by ClinVar (database versions not stated): TOPMed below 0.00001; ExAC 0.00001.

Submission:

Labcorp Genetics (formerly Invitae), Labcorp
Classification: Uncertain significance. Last evaluated: 2022-05-30. Review status: criteria provided, single submitter. Criteria: Invitae Variant Classification Sherloc (09022015). Collection method: clinical testing. Allele origin: germline.
Comment: This sequence change replaces threonine, which is neutral and polar, with arginine, which is basic and polar, at codon 287 of the KLF10 protein (p.Thr287Arg). This variant is present in population databases (rs766316252, gnomAD 0.0009%). This variant has not been reported in the literature in individuals affected with KLF10-related conditions. ClinVar contains an entry for this variant (Variation ID: 1416675). Algorithms developed to predict the effect of missense changes on protein structure and function are either unavailable or do not agree on the potential impact of this missense change (SIFT: "Deleterious"; PolyPhen-2: "Possibly Damaging"; Align-GVGD: "Class C15"). In summary, the available evidence is currently insufficient to determine the role of this variant in disease. Therefore, it has been classified as a Variant of Uncertain Significance.